The following is an entry in ClinVar:

ClinVar aggregate classification (germline): Uncertain significance (1 of 4 stars; one submission).

Allele frequency attached by ClinVar (database versions not stated): gnomAD 0.00001.
gnomAD v4.1: 1 of 1,611,772 alleles (0.000062%); highest among the groups gnomAD compares: African/African-American, 0.0013%; no homozygotes.

Submission:

GeneDx
Classification: Uncertain significance. Last evaluated: 2026-09-18. Review status: criteria provided, single submitter. Criteria: GeneDx Variant Classification Process June 2021. Collection method: clinical testing. Allele origin: germline.
Comment: Not observed at significant frequency in large population cohorts (gnomAD); In silico analysis suggests that this missense variant does not alter protein structure/function; Has not been previously published as pathogenic or benign to our knowledge

NM_001923.5(DDB1):c.2276A>C (p.Gln759Pro)

Gene: DDB1 (damage specific DNA binding protein 1; minus strand). Cytogenetic location: 11q12.2.
Variant type: single nucleotide variant.
Coding change: c.2276A>C on transcript NM_001923.5 (MANE Select); coding-DNA position 2276, A replaced by C.
Protein change: p.Gln759Pro; replaces glutamine 759 with proline.
Molecular consequence: missense variant.
Genome position (GRCh38, 1-based): chr11:61,311,785, T>G on the plus strand (A>C on the coding strand, the complement: DDB1 is on the minus strand). VCF-style: chr11-61311785-T-G. GRCh37 (hg19) VCF-style: chr11-61079257-T-G.
Other names: short protein forms Q759P.
Identifiers: ClinVar variation 1320350 (VCV001320350.3), dbSNP rs1855974919, ClinGen allele CA380661543.